The following is an entry in ClinVar:

ClinVar aggregate classification (germline): Conflicting classifications of pathogenicity. Review status: criteria provided, conflicting classifications (1 of 4 stars). 4 submissions from 4 submitters: Uncertain significance (2); Likely benign (1). 1 of the submissions does not count toward it. Last evaluated 2025-01-28.

Conditions:
EP300-related disorder. Also called: EP300-related disorders; EP300-related condition.
Rubinstein-Taybi syndrome due to EP300 haploinsufficiency. Also called: EP300-Related Rubinstein-Taybi Syndrome; RUBINSTEIN-TAYBI SYNDROME 2. Identifiers: Orphanet 353284, Orphanet 783, MedGen C3150941, MONDO:0013364, OMIM 613684.
Colorectal cancer. Also called: Colorectal cancer, somatic; Malignant Colorectal Neoplasm. Identifiers: MedGen C0346629, MONDO:0005575, OMIM 114500.
Rubinstein-Taybi syndrome due to CREBBP mutations (RSTS1). Also called: BROAD THUMBS AND GREAT TOES, CHARACTERISTIC FACIES, AND IMPAIRED INTELLECTUAL DEVELOPMENT; RUBINSTEIN-TAYBI SYNDROME 1, INCOMPLETE; BROAD THUMB-HALLUX SYNDROME; Rubinstein-Taybi syndrome 1; RUBINSTEIN SYNDROME; CREBBP-Related Rubinstein-Taybi Syndrome. Identifiers: Orphanet 353277, Orphanet 783, MedGen C4551859, MONDO:0008393, OMIM 180849.
Menke-Hennekam syndrome 2 (MKHK2). Identifiers: MedGen C5193035, MONDO:0020769, OMIM 618333.
Multicystic kidney dysplasia. Also called: Multicystic dysplastic kidney. Identifiers: Orphanet 1851, MedGen C3714581, MONDO:0015988, HP:0000003.

Allele frequency attached by ClinVar (database versions not stated): gnomAD 0.00002; gnomAD exomes 0.00002 and 0.00007; TOPMed 0.00002; ExAC 0.00006.
gnomAD v4.1: 36 of 1,613,804 alleles (0.0022%); highest among the groups gnomAD compares: Middle Eastern, 0.016%; no homozygotes.

Submissions (4):

Labcorp Genetics (formerly Invitae), Labcorp
Classification: Likely benign for Rubinstein-Taybi syndrome due to EP300 haploinsufficiency. Last evaluated: 2025-01-28. Review status: criteria provided, single submitter. Criteria: Invitae Variant Classification Sherloc (09022015). Collection method: clinical testing. Allele origin: germline.

Fulgent Genetics
Classification: Uncertain significance for Colorectal cancer; Rubinstein-Taybi syndrome due to CREBBP mutations; Rubinstein-Taybi syndrome due to EP300 haploinsufficiency; Menke-Hennekam syndrome 2. Last evaluated: 2021-11-10. Review status: criteria provided, single submitter. Criteria: ACMG Guidelines, 2015. Collection method: clinical testing. Allele origin: unknown.

Broad Center for Mendelian Genomics, Broad Institute of MIT and Harvard
Classification: Uncertain significance for Multicystic kidney dysplasia. Last evaluated: 2020-05-28. Review status: criteria provided, single submitter. Criteria: ACMG Guidelines, 2015. Collection method: research. Allele origin: germline. Inheritance: Autosomal dominant inheritance.
Comment: The heterozygous p.Thr594Met variant in EP300 was identified by our study in 3 family members with multicystic dysplastic kidney (PMID: 30143558). It has been identified in 0.02% (8/34592) of Latino chromosomes by the Genome Aggregation Database (gnomAD; dbSNP rs750740148). Although this variant has been seen in the general population, its frequency is not high enough to rule out a pathogenic role. Computational prediction tools and conservation analyses suggest that this variant may impact the protein, though this information is not predictive enough to determine pathogenicity. Furthermore, although this gene has been reported in association with multicystic dusplastic kidney, it currently has limited evidence for these associations. In summary, the clinical significance of the p.Thr594Met variant is uncertain.

PreventionGenetics, part of Exact Sciences
Classification: Uncertain significance for EP300-related condition. Last evaluated: 2024-07-09. Review status: no assertion criteria provided. Collection method: clinical testing. Allele origin: germline. Not counted in ClinVar's aggregate classification.
Comment: The EP300 c.1781C>T variant is predicted to result in the amino acid substitution p.Thr594Met. This variant was reported in an individual with congenital anomalies of the kidney and urinary tract (van der Ven et al. 2018. PubMed ID: 30143558). This variant is reported in 0.023% of alleles in individuals of Latino descent in gnomAD. At this time, the clinical significance of this variant is uncertain due to the absence of conclusive functional and genetic evidence.

Literature cited by the submitters: PubMed 30143558 (cited by Broad Center for Mendelian Genomics, Broad Institute of MIT and Harvard).

NM_001429.4(EP300):c.1781C>T (p.Thr594Met)

Gene: EP300 (EP300 lysine acetyltransferase; plus strand). Cytogenetic location: 22q13.2.
Variant type: single nucleotide variant.
Coding change: c.1781C>T on transcript NM_001429.4 (MANE Select); coding-DNA position 1781, C replaced by T.
Protein change: p.Thr594Met; replaces threonine 594 with methionine.
Molecular consequence: missense variant.
Genome position (GRCh38, 1-based): chr22:41,140,160, C>T. VCF-style: chr22-41140160-C-T. GRCh37 (hg19) VCF-style: chr22-41536164-C-T.
Other names: c.1781C>T, p.Thr594Met (NM_001362843.2); c.1781C>T (NM_001429.3); short protein forms T594M.
Identifiers: ClinVar variation 977155 (VCV000977155.9), dbSNP rs750740148, ClinGen allele CA10252632.